The following is an entry in ClinVar:

ClinVar aggregate classification (germline): Uncertain significance. Review status: criteria provided, multiple submitters, no conflicts (2 of 4 stars). 2 submissions from 2 submitters: Uncertain significance (2). Last evaluated 2026-06-25.

Conditions:
Congenital contractural arachnodactyly (CCA). Also called: Beals-Hecht syndrome; Arthrogryposis, distal, type 9; BEALS SYNDROME. Identifiers: Orphanet 115, MedGen C0220668, MONDO:0007363, OMIM 121050.
Familial thoracic aortic aneurysm and aortic dissection (TAAD). Also called: Thoracic aortic aneurysms and dissections. Identifiers: Orphanet 91387, MedGen C4707243, MONDO:0019625.

Allele frequency attached by ClinVar (database versions not stated): gnomAD exomes below 0.00001; TOPMed below 0.00001.
gnomAD v4.1: 1 of 1,614,032 alleles (0.000062%); highest among the groups gnomAD compares: Admixed American, 0.0017%; no homozygotes.

Submissions (2):

Ambry Genetics
Classification: Uncertain significance for Familial thoracic aortic aneurysm and aortic dissection. Last evaluated: 2026-06-25. Review status: criteria provided, single submitter. Criteria: Ambry Variant Classification Scheme 2023. Collection method: clinical testing. Allele origin: germline.
Comment: The p.L1860P variant (also known as c.5579T>C), located in coding exon 44 of the FBN2 gene, results from a T to C substitution at nucleotide position 5579. The leucine at codon 1860 is replaced by proline, an amino acid with similar properties. This amino acid position is conserved. In addition, this alteration is predicted to be deleterious by in silico analysis. Based on the available evidence, the clinical significance of this variant remains unclear.

Labcorp Genetics (formerly Invitae), Labcorp
Classification: Uncertain significance for Congenital contractural arachnodactyly. Last evaluated: 2023-07-22. Review status: criteria provided, single submitter. Criteria: Invitae Variant Classification Sherloc (09022015). Collection method: clinical testing. Allele origin: germline.
Comment: This sequence change replaces leucine, which is neutral and non-polar, with proline, which is neutral and non-polar, at codon 1860 of the FBN2 protein (p.Leu1860Pro). This variant is not present in population databases (gnomAD no frequency). This variant has not been reported in the literature in individuals affected with FBN2-related conditions. Advanced modeling of protein sequence and biophysical properties (such as structural, functional, and spatial information, amino acid conservation, physicochemical variation, residue mobility, and thermodynamic stability) performed at Invitae indicates that this missense variant is not expected to disrupt FBN2 protein function. In summary, the available evidence is currently insufficient to determine the role of this variant in disease. Therefore, it has been classified as a Variant of Uncertain Significance.

NM_001999.4(FBN2):c.5579T>C (p.Leu1860Pro)

Gene: FBN2 (fibrillin 2; minus strand). Cytogenetic location: 5q23.3.
Variant type: single nucleotide variant.
Coding change: c.5579T>C on transcript NM_001999.4 (MANE Select); coding-DNA position 5579, T replaced by C.
Protein change: p.Leu1860Pro; replaces leucine 1860 with proline.
Molecular consequence: missense variant.
Genome position (GRCh38, 1-based): chr5:128,305,606, A>G on the plus strand (T>C on the coding strand, the complement: FBN2 is on the minus strand). VCF-style: chr5-128305606-A-G. GRCh37 (hg19) VCF-style: chr5-127641298-A-G.
Other names: c.5579T>C (NM_001999.3); short protein forms L1860P.
Identifiers: ClinVar variation 2806509 (VCV002806509.4), dbSNP rs1749847421, ClinGen allele CA360740565.